The following is an entry in ClinVar:

ClinVar aggregate classification (germline): Uncertain significance (1 of 4 stars; one submission).

Submission:

Labcorp Genetics (formerly Invitae), Labcorp
Classification: Uncertain significance. Last evaluated: 2024-11-10. Review status: criteria provided, single submitter. Criteria: Invitae Variant Classification Sherloc (09022015). Collection method: clinical testing. Allele origin: germline.
Comment: This variant occurs in the MIR204 gene, which encodes an RNA molecule that does not result in a protein product. This variant is not present in population databases (gnomAD no frequency). This variant has not been reported in the literature in individuals affected with MIR204-related conditions. Experimental studies and prediction algorithms are not available or were not evaluated, and the functional significance of this variant is currently unknown. In summary, the available evidence is currently insufficient to determine the role of this variant in disease. Therefore, it has been classified as a Variant of Uncertain Significance.

NC_000009.12:g.70810078T>C

Genes: MIR204 (microRNA 204; minus strand), TRPM3 (transient receptor potential cation channel subfamily M member 3; minus strand). Cytogenetic location: 9q21.12.
Variant type: single nucleotide variant.
Molecular consequence: intron variant (on NM_001366145.2). On other transcripts: non-coding transcript variant (1).
Genome position: GRCh38 VCF-style: chr9-70810078-T-C. GRCh37 (hg19) VCF-style: chr9-73424994-T-C.
Other names: c.979+17769A>G (NM_001366143.2, NM_001366141.2, NM_001366142.2 and 1 more transcripts); c.973+17769A>G (NM_001366150.2, NM_001366151.2, NM_001007471.4 and 4 more transcripts); c.1048+1092A>G (NM_001366148.2, NM_001366152.2, NM_001366147.2); c.514+17769A>G (NM_206944.5, NM_020952.6, NM_206945.5 and 3 more transcripts); c.589+1092A>G (NM_206947.5, NM_206946.5, NM_001007470.3).
Identifiers: ClinVar variation 3724455 (VCV003724455.2).